The following is an entry in ClinVar:

NM_001202.6(BMP4):c.416G>T (p.Arg139Leu)

Gene: BMP4 (bone morphogenetic protein 4; minus strand). Cytogenetic location: 14q22.2.
Variant type: single nucleotide variant.
Coding change: c.416G>T on transcript NM_001202.6 (MANE Select); coding-DNA position 416, G replaced by T.
Protein change: p.Arg139Leu; replaces arginine 139 with leucine.
Molecular consequence: missense variant.
Genome position (GRCh38, 1-based): chr14:53,950,843, C>A on the plus strand (G>T on the coding strand, the complement: BMP4 is on the minus strand). VCF-style: chr14-53950843-C-A. GRCh37 (hg19) VCF-style: chr14-54417561-C-A.
Other names: c.557G>T, p.Arg186Leu (NM_001347912.1); c.227G>T, p.Arg76Leu (NM_001347913.2, NM_001347915.2, NM_001347917.1); c.416G>T, p.Arg139Leu (NM_001347914.2, NM_001347916.1, NM_130850.5 and 1 more transcripts); short protein forms R76L, R139L, R186L.
Identifiers: ClinVar variation 2083667 (VCV002083667.4), dbSNP rs773804981, ClinGen allele CA389784756.

ClinVar aggregate classification (germline): Uncertain significance (1 of 4 stars; one submission).

Conditions:
Orofacial cleft 11 (OFC11). Also called: Orofacial cleft 11; ofc11; CLEFT LIP WITH OR WITHOUT CLEFT PALATE, NONSYNDROMIC, 11. Identifiers: MedGen C2677434, MONDO:0010906, OMIM 600625.
Microphthalmia with brain and digit anomalies (MCOPS6). Also called: Microphthalmia, syndromic 6; MICROPHTHALMIA AND PITUITARY ANOMALIES. Identifiers: Orphanet 139471, MedGen C1864689, MONDO:0011936, OMIM 607932.

Submission:

Labcorp Genetics (formerly Invitae), Labcorp
Classification: Uncertain significance for Microphthalmia with brain and digit anomalies; Orofacial cleft 11. Last evaluated: 2022-01-15. Review status: criteria provided, single submitter. Criteria: Invitae Variant Classification Sherloc (09022015). Collection method: clinical testing. Allele origin: germline.
Comment: This variant is not present in population databases (gnomAD no frequency). In summary, the available evidence is currently insufficient to determine the role of this variant in disease. Therefore, it has been classified as a Variant of Uncertain Significance. Algorithms developed to predict the effect of missense changes on protein structure and function (SIFT, PolyPhen-2, Align-GVGD) all suggest that this variant is likely to be disruptive. This variant has not been reported in the literature in individuals affected with BMP4-related conditions. This sequence change replaces arginine, which is basic and polar, with leucine, which is neutral and non-polar, at codon 139 of the BMP4 protein (p.Arg139Leu).